The following is an entry in ClinVar:

ClinVar aggregate classification (germline): Conflicting classifications of pathogenicity. Review status: criteria provided, conflicting classifications (1 of 4 stars). 4 submissions from 4 submitters: Likely pathogenic (1); Uncertain significance (3). Last evaluated 2026-07-29.

Conditions:
Migraine, familial hemiplegic, 3. Identifiers: Orphanet 569, MedGen C1864987, MONDO:0012320, OMIM 609634.
Generalized epilepsy with febrile seizures plus, type 2 (GEFSP2). Also called: GEFS+, TYPE 2. Identifiers: Orphanet 36387, MedGen C1858673, MONDO:0011461, OMIM 604403.
Developmental and epileptic encephalopathy 6B. Also called: Developmental and epileptic encephalopathy 6B, non-Dravet. Identifiers: MedGen C5543353, MONDO:0030268, OMIM 619317.
Severe myoclonic epilepsy in infancy (DRVT). Also called: Epileptic encephalopathy, early infantile, 6 (Dravet syndrome); Severe Myoclonic Epilepsy in Infancy (SMEI); Dravet syndrome; SEVERE MYOCLONIC EPILEPSY OF INFANCY; DEVELOPMENTAL AND EPILEPTIC ENCEPHALOPATHY 6A. Identifiers: Orphanet 33069, MedGen C0751122, MONDO:0100135, OMIM 607208.
Early-infantile DEE. Also called: Early infantile epileptic encephalopathy; Ohtahara syndrome; Early infantile epileptic encephalopathy with suppression bursts. Identifiers: Orphanet 1934, MedGen C0393706, MONDO:0800491.
Inborn genetic diseases. Identifiers: MedGen C0950123, MeSH D030342.

Allele frequency attached by ClinVar (database versions not stated): gnomAD exomes below 0.00001; gnomAD 0.00001.
gnomAD v4.1: 2 of 1,596,060 alleles (0.00013%); highest among the groups gnomAD compares: East Asian, 0.0022%; no homozygotes.

Submissions (4):

GeneDx
Classification: Likely pathogenic. Last evaluated: 2026-07-29. Review status: criteria provided, single submitter. Criteria: GeneDx Variant Classification Process June 2021. Collection method: clinical testing. Allele origin: germline.
Comment: Previously reported in individuals with seizures in published literature, including in one individual who also had autism and speech delay; however, at least one individual inherited the variant from an unaffected parent (PMID: 28951233, 28202706, 33921431, 41518736); Published functional studies demonstrate that this variant induces a change in sodium channel properties compared to wild type (PMID: 28951233); In silico analysis supports that this missense variant has a deleterious effect on protein structure/function; Not observed at significant frequency in large population cohorts (gnomAD); This substitution is predicted to be within the cytoplasmic loop between the third and fourth homologous domains; This variant is associated with the following publications: (PMID: 28202706, 28951233, 33921431, 41518736)

Labcorp Genetics (formerly Invitae), Labcorp
Classification: Uncertain significance for Early-infantile DEE. Last evaluated: 2026-01-12. Review status: criteria provided, single submitter. Criteria: Invitae Variant Classification Sherloc (09022015). Collection method: clinical testing. Allele origin: germline.
Comment: This sequence change replaces arginine, which is basic and polar, with glutamine, which is neutral and polar, at codon 1525 of the SCN1A protein (p.Arg1525Gln). This variant is not present in population databases (gnomAD no frequency). This missense change has been observed in individual(s) with epilepsy (PMID: 28202706, 28951233, 33921431). ClinVar contains an entry for this variant (Variation ID: 589466). Invitae Evidence Modeling of protein sequence and biophysical properties (such as structural, functional, and spatial information, amino acid conservation, physicochemical variation, residue mobility, and thermodynamic stability) indicates that this missense variant is expected to disrupt SCN1A protein function with a positive predictive value of 95%. Experimental studies have shown that this missense change affects SCN1A function (PMID: 28951233). In summary, the available evidence is currently insufficient to determine the role of this variant in disease. Therefore, it has been classified as a Variant of Uncertain Significance.

Blueprint Genetics
Classification: Uncertain significance. Last evaluated: 2020-04-06. Review status: criteria provided, single submitter. Criteria: ACMG Guidelines, 2015. Collection method: clinical testing. Allele origin: germline.

Ambry Genetics
Classification: Uncertain significance for Inborn genetic diseases. Last evaluated: 2017-02-21. Review status: criteria provided, single submitter. Criteria: Ambry Variant Classification Scheme 2023. Collection method: clinical testing. Allele origin: germline.
Comment: The p.R1525Q variant (also known as c.4574G>A), located in coding exon 24 of the SCN1A gene, results from a G to A substitution at nucleotide position 4574. The arginine at codon 1525 is replaced by glutamine, an amino acid with highly similar properties. This amino acid position is highly conserved in available vertebrate species. In addition, this alteration is predicted to be deleterious by in silico analysis. Since supporting evidence is limited at this time, the clinical significance of this alteration remains unclear.

Literature cited by the submitters: PubMed 28202706 (cited by Labcorp Genetics (formerly Invitae), Labcorp); PubMed 28951233 (cited by Labcorp Genetics (formerly Invitae), Labcorp); PubMed 33921431 (cited by Labcorp Genetics (formerly Invitae), Labcorp).

NM_001165963.4(SCN1A):c.4574G>A (p.Arg1525Gln)

Genes: SCN1A (sodium voltage-gated channel alpha subunit 1; minus strand), LOC102724058 (uncharacterized LOC102724058; plus strand). Cytogenetic location: 2q24.3.
Variant type: single nucleotide variant.
Coding change: c.4574G>A on transcript NM_001165963.4 (MANE Select); coding-DNA position 4574, G replaced by A.
Protein change: p.Arg1525Gln; replaces arginine 1525 with glutamine.
Molecular consequence: missense variant. On other transcripts: non-coding transcript variant (1).
Genome position (GRCh38, 1-based): chr2:165,996,020, C>T on the plus strand (G>A on the coding strand, the complement: SCN1A is on the minus strand). VCF-style: chr2-165996020-C-T. GRCh37 (hg19) VCF-style: chr2-166852530-C-T.
Other names: c.4490G>A, p.Arg1497Gln (NM_001165964.3, NM_001353957.2, NM_001353958.2); c.4574G>A, p.Arg1525Gln (NM_001202435.3, NM_001353948.2); c.4541G>A, p.Arg1514Gln (NM_001353949.2, NM_001353950.2, NM_001353951.2 and 2 more transcripts); c.4538G>A, p.Arg1513Gln (NM_001353954.2, NM_001353955.2); c.4487G>A, p.Arg1496Gln (NM_001353960.2); c.2132G>A, p.Arg711Gln (NM_001353961.2); short protein forms R1514Q, R1525Q, R711Q, R1497Q, R1496Q, R1513Q.
Identifiers: ClinVar variation 589466 (VCV000589466.57), dbSNP rs1559114408, ClinGen allele CA349048549.